The following is an entry in ClinVar:

NM_198252.3(GSN):c.1850G>A (p.Arg617His)

Gene: GSN (gelsolin; plus strand). Cytogenetic location: 9q33.2.
Variant type: single nucleotide variant.
Coding change: c.1850G>A on transcript NM_198252.3 (MANE Select); coding-DNA position 1850, G replaced by A.
Protein change: p.Arg617His; replaces arginine 617 with histidine.
Molecular consequence: missense variant.
Genome position (GRCh38, 1-based): chr9:121,328,978, G>A. VCF-style: chr9-121328978-G-A. GRCh37 (hg19) VCF-style: chr9-124091256-G-A.
Other names: c.2003G>A, p.Arg668His (NM_000177.5); c.1850G>A, p.Arg617His (NM_001127662.2, NM_001127664.2, NM_001127665.2 and 10 more transcripts); c.1958G>A, p.Arg653His (NM_001127663.2); c.1883G>A, p.Arg628His (NM_001127666.2, NM_001127667.2, NM_001353063.2 and 13 more transcripts); c.1901G>A, p.Arg634His (NM_001258029.2); c.1874G>A, p.Arg625His (NM_001258030.2); c.1922G>A, p.Arg641His (NM_001353076.2); c.1196G>A, p.Arg399His (NM_001353078.2); short protein forms R617H, R653H, R668H, R625H, R399H, R628H, R634H, R641H.
Identifiers: ClinVar variation 1430271 (VCV001430271.8), dbSNP rs9696578, ClinGen allele CA199415199.

ClinVar aggregate classification (germline): Uncertain significance. Review status: criteria provided, multiple submitters, no conflicts (2 of 4 stars). 2 submissions from 2 submitters: Uncertain significance (2). Last evaluated 2025-04-28.

Conditions:
Finnish type amyloidosis. Also called: AMYLOIDOSIS DUE TO MUTANT GELSOLIN; Amyloidosis, familial, Finnish type; Meretoja type amyloidosis; Amyloidosis 5; AMYLOID CRANIAL NEUROPATHY WITH LATTICE CORNEAL DYSTROPHY; AMYLOIDOSIS, HEREDITARY SYSTEMIC 4, FINNISH TYPE. Identifiers: Orphanet 85448, MedGen C1622345, MONDO:0007097, OMIM 105120.

gnomAD v4.1: 17 of 1,613,898 alleles (0.0011%); highest among the groups gnomAD compares: Middle Eastern, 0.049%; no homozygotes.

Submissions (2):

Labcorp Genetics (formerly Invitae), Labcorp
Classification: Uncertain significance. Last evaluated: 2025-04-28. Review status: criteria provided, single submitter. Criteria: Invitae Variant Classification Sherloc (09022015). Collection method: clinical testing. Allele origin: germline.
Comment: This sequence change replaces arginine, which is basic and polar, with histidine, which is basic and polar, at codon 668 of the GSN protein (p.Arg668His). This variant is not present in population databases (gnomAD no frequency). This variant has not been reported in the literature in individuals affected with GSN-related conditions. ClinVar contains an entry for this variant (Variation ID: 1430271). Invitae Evidence Modeling of protein sequence and biophysical properties (such as structural, functional, and spatial information, amino acid conservation, physicochemical variation, residue mobility, and thermodynamic stability) has been performed for this missense variant. However, the output from this modeling did not meet the statistical confidence thresholds required to predict the impact of this variant on GSN protein function. In summary, the available evidence is currently insufficient to determine the role of this variant in disease. Therefore, it has been classified as a Variant of Uncertain Significance.

Fulgent Genetics
Classification: Uncertain significance for Finnish type amyloidosis. Last evaluated: 2024-06-17. Review status: criteria provided, single submitter. Criteria: ACMG Guidelines, 2015. Collection method: clinical testing. Allele origin: germline.